The following is an entry in ClinVar:

NM_020922.5(WNK3):c.469G>T (p.Ala157Ser)

Gene: WNK3 (WNK lysine deficient protein kinase 3; minus strand). Cytogenetic location: Xp11.22.
Variant type: single nucleotide variant.
Coding change: c.469G>T on transcript NM_020922.5 (MANE Select); coding-DNA position 469, G replaced by T.
Protein change: p.Ala157Ser; replaces alanine 157 with serine.
Molecular consequence: missense variant.
Genome position (GRCh38, 1-based): chrX:54,333,205, C>A on the plus strand (G>T on the coding strand, the complement: WNK3 is on the minus strand). VCF-style: chrX-54333205-C-A. GRCh37 (hg19) VCF-style: chrX-54359638-C-A.
Other names: c.469G>T, p.Ala157Ser (NM_001002838.4, NM_001395166.1); short protein forms A157S.
Identifiers: ClinVar variation 3902943 (VCV003902943.1).

ClinVar aggregate classification (germline): Uncertain significance (1 of 4 stars; one submission).

gnomAD v4.1: 1 of 1,209,630 alleles (0.000083%); no homozygotes.

Submission:

GeneDx
Classification: Uncertain significance. Last evaluated: 2024-12-11. Review status: criteria provided, single submitter. Criteria: GeneDx Variant Classification Process June 2021. Collection method: clinical testing. Allele origin: germline. Affected: yes.
Comment: Not observed at significant frequency in large population cohorts (gnomAD); In silico analysis indicates that this missense variant does not alter protein structure/function; Has not been previously published as pathogenic or benign to our knowledge